The following is an entry in ClinVar:

NM_000059.4(BRCA2):c.8264G>T (p.Gly2755Val)

Gene: BRCA2 (BRCA2 DNA repair associated; plus strand). Cytogenetic location: 13q13.1.
Variant type: single nucleotide variant.
Coding change: c.8264G>T on transcript NM_000059.4 (MANE Select); coding-DNA position 8264, G replaced by T.
Protein change: p.Gly2755Val; replaces glycine 2755 with valine.
Molecular consequence: missense variant.
Genome position (GRCh38, 1-based): chr13:32,363,466, G>T. VCF-style: chr13-32363466-G-T. GRCh37 (hg19) VCF-style: chr13-32937603-G-T.
Other names: short protein forms G2755V.
Identifiers: ClinVar variation 230899 (VCV000230899.20), dbSNP rs876658830, ClinGen allele CA10579773.

ClinVar aggregate classification (germline): Uncertain significance. Review status: criteria provided, multiple submitters, no conflicts (2 of 4 stars). 5 submissions from 5 submitters: Uncertain significance (5). Last evaluated 2025-09-16.

Conditions:
Hereditary cancer-predisposing syndrome. Also called: Tumor predisposition; Hereditary neoplastic syndrome; Hereditary Cancer Syndrome; Neoplastic Syndromes, Hereditary. Identifiers: Orphanet 140162, MedGen C0027672, MeSH D009386, MONDO:0015356.
Hereditary breast ovarian cancer syndrome. Also called: Hereditary breast and/or ovarian cancer syndrome; Breast and ovarian cancer; Hereditary breast and ovarian cancer; Hereditary breast and ovarian cancer syndrome; Hereditary breast and ovarian cancer syndrome (HBOC); BRCA1- and BRCA2-Associated Hereditary Breast and Ovarian Cancer. Identifiers: Orphanet 145, MedGen C0677776, MeSH D061325, MONDO:0003582. Disease mechanism: loss of function.
Familial cancer of breast. Also called: BREAST CANCER, FAMILIAL; Hereditary breast cancer; hereditary breast carcinoma. Identifiers: Orphanet 227535, MedGen C0346153, MONDO:0016419, OMIM 114480. Disease mechanism: loss of function.

Submissions (5):

Ambry Genetics
Classification: Uncertain significance for Hereditary cancer-predisposing syndrome. Last evaluated: 2025-09-16. Review status: criteria provided, single submitter. Criteria: Ambry Variant Classification Scheme 2023. Collection method: clinical testing. Allele origin: germline.
Comment: The p.G2755V variant (also known as c.8264G>T), located in coding exon 17 of the BRCA2 gene, results from a G to T substitution at nucleotide position 8264. The glycine at codon 2755 is replaced by valine, an amino acid with dissimilar properties. The results from two saturation genome editing-based studies, including a haploid cell-survival assay and a humanized mouse embryonic stem cell line assay of drug response and survival, are discordant for this nucleotide substitution (Huang H et al. Nature. 2025 Feb;638(8050):528-537; Sahu S et al. Nature. 2025 Feb;638(8050):538-545). This amino acid position is highly conserved in available vertebrate species. In addition, this alteration is predicted to be deleterious by in silico analysis. Based on the available evidence, the clinical significance of this variant remains unclear.

Color Diagnostics, LLC DBA Color Health
Classification: Uncertain significance for Hereditary cancer-predisposing syndrome. Last evaluated: 2025-09-04. Review status: criteria provided, single submitter. Criteria: ACMG Guidelines, 2015. Collection method: clinical testing. Allele origin: germline.
Comment: This missense variant replaces glycine with valine at codon 2755 of the BRCA2 protein. Computational prediction suggests that this variant may have deleterious impact on protein structure and function. Functional studies have reported conflicting results for variant impact on BRCA2, with inconclusive result in sensitivity assays to PARP inhibitors, cisplatin and carboplatin (PMID: 32444794, 39779848) and loss-of-function in a haploid cell proliferation assay (PMID: 39779857). A multifactorial analysis has reached a combined likelihood ratio (LR) of 0.429 based on reported LR for co-occurrence with a pathogenic variant and personal and family history for 2 carriers (PMID: 31853058). This variant has not been identified in the general population by the Genome Aggregation Database (gnomAD). The available evidence is insufficient to determine the role of this variant in disease conclusively. Therefore, this variant is classified as a Variant of Uncertain Significance.

Labcorp Genetics (formerly Invitae), Labcorp
Classification: Uncertain significance for Hereditary breast ovarian cancer syndrome. Last evaluated: 2024-10-28. Review status: criteria provided, single submitter. Criteria: Invitae Variant Classification Sherloc (09022015). Collection method: clinical testing. Allele origin: germline.
Comment: This sequence change replaces glycine, which is neutral and non-polar, with valine, which is neutral and non-polar, at codon 2755 of the BRCA2 protein (p.Gly2755Val). This variant is not present in population databases (gnomAD no frequency). This variant has not been reported in the literature in individuals affected with BRCA2-related conditions. ClinVar contains an entry for this variant (Variation ID: 230899). Invitae Evidence Modeling of protein sequence and biophysical properties (such as structural, functional, and spatial information, amino acid conservation, physicochemical variation, residue mobility, and thermodynamic stability) has been performed for this missense variant. However, the output from this modeling did not meet the statistical confidence thresholds required to predict the impact of this variant on BRCA2 protein function. In summary, the available evidence is currently insufficient to determine the role of this variant in disease. Therefore, it has been classified as a Variant of Uncertain Significance.

Baylor Genetics
Classification: Uncertain significance for Familial cancer of breast. Last evaluated: 2024-01-13. Review status: criteria provided, single submitter. Criteria: ACMG Guidelines, 2015. Collection method: clinical testing. Allele origin: unknown.

GeneDx
Classification: Uncertain significance. Last evaluated: 2023-12-23. Review status: criteria provided, single submitter. Criteria: GeneDx Variant Classification Process June 2021. Collection method: clinical testing. Allele origin: germline.
Comment: Observed in a cohort of 3579 African American and Ugandan prostate cancer cases and controls (PMID: 32832836); In silico analysis supports that this missense variant has a deleterious effect on protein structure/function; Not observed at significant frequency in large population cohorts (gnomAD); Also known as 8492G>T; This variant is associated with the following publications: (PMID: 32832836, 12228710)

Literature cited by the submitters: PubMed 32832836 (cited by Ambry Genetics); PubMed 31853058 (cited by Color Diagnostics, LLC DBA Color Health); PubMed 32444794 (cited by Color Diagnostics, LLC DBA Color Health); PubMed 39779848 (cited by Color Diagnostics, LLC DBA Color Health); PubMed 39779857 (cited by Color Diagnostics, LLC DBA Color Health).